The following is an entry in ClinVar:

ClinVar aggregate classification (germline): Conflicting classifications of pathogenicity. Review status: criteria provided, conflicting classifications (1 of 4 stars). 3 submissions from 3 submitters: Pathogenic (1); Uncertain significance (2). Last evaluated 2025-07-01.

Conditions:
CTCF-related neurodevelopmental disorder. Also called: Intellectual disability-feeding difficulties-developmental delay-microcephaly syndrome; INTELLECTUAL DEVELOPMENTAL DISORDER, AUTOSOMAL DOMINANT 21. Identifiers: Orphanet 363611, MedGen C3809686, MONDO:0014213, OMIM 615502.

Submissions (3):

Dasa
Classification: Uncertain significance for intellectual disability-feeding difficulties-developmental delay-microcephaly syndrome. Last evaluated: 2025-07-01. Review status: criteria provided, single submitter. Criteria: DASA Assertion Criteria. Collection method: clinical testing. Allele origin: germline.
Comment: NM_006565.4(CTCF):c.1015C>T (p.Arg339Trp) is a missense variant that results in the substitution of arginine with tryptophan. The affected residue or protein region has prior evidence supporting clinical relevance. Published studies describe this variant in association with related phenotype (PMID: 31239556). Also, this variant is rare in population databases. The currently available literature and clinical evidence are not sufficient to establish a definitive association between this variant and the reported condition. Therefore, this variant is classified as a variant of uncertain significance.

GeneDx
Classification: Pathogenic. Last evaluated: 2025-05-21. Review status: criteria provided, single submitter. Criteria: GeneDx Variant Classification Process June 2021. Collection method: clinical testing. Allele origin: germline.
Comment: Has not been previously reported as a pathogenic or benign germline variant to our knowledge; Published functional studies demonstrate a damaging effect including reduced binding to the core CTCF binding motif, reduced ectopic expression, reduced transcriptional activity, and disrupted growth inhibition (PMID: 34657170); In silico analysis supports that this missense variant has a deleterious effect on protein structure/function; This variant is associated with the following publications: (PMID: 23707059, 16949368, 23553099, 28648147, 30275357, 20020479, 36454652, 34657170)

Blueprint Genetics
Classification: Uncertain significance. Last evaluated: 2020-08-12. Review status: criteria provided, single submitter. Criteria: ACMG Guidelines, 2015. Collection method: clinical testing. Allele origin: germline.

Literature cited by the submitters: PubMed 31239556 (cited by Dasa).

NM_006565.4(CTCF):c.1015C>T (p.Arg339Trp)

Gene: CTCF (CCCTC-binding factor; plus strand). Cytogenetic location: 16q22.1.
Variant type: single nucleotide variant.
Coding change: c.1015C>T on transcript NM_006565.4 (MANE Select); coding-DNA position 1015, C replaced by T.
Protein change: p.Arg339Trp; replaces arginine 339 with tryptophan.
Molecular consequence: missense variant.
Genome position (GRCh38, 1-based): chr16:67,616,807, C>T. VCF-style: chr16-67616807-C-T. GRCh37 (hg19) VCF-style: chr16-67650710-C-T.
Other names: c.31C>T, p.Arg11Trp (NM_001191022.2); c.1015C>T, p.Arg339Trp (NM_001363916.2); short protein forms R11W, R339W.
Identifiers: ClinVar variation 3602939 (VCV003602939.4).
Genomic context (GRCh38, chr16:67,616,807, plus strand): 5'-ACTCGTCCTCACAAGTGCCCAGACTGCGACATGGCCTTTGTGACCAGTGGAGAATTGGTT[C>T]GGCATCGTCGTTACAAACACACCCACGAGAAGCCATTCAAGTGTTCCATGTGCGATTACG-3'
Protein context (NP_006556.1, residues 329-349): MAFVTSGELV[Arg339Trp]HRRYKHTHEK